The following is an entry in ClinVar:

NM_001793.6(CDH3):c.2239C>T (p.Arg747Trp)

Gene: CDH3 (cadherin 3; plus strand). Cytogenetic location: 16q22.1.
Variant type: single nucleotide variant.
Coding change: c.2239C>T on transcript NM_001793.6 (MANE Select); coding-DNA position 2239, C replaced by T.
Protein change: p.Arg747Trp; replaces arginine 747 with tryptophan.
Molecular consequence: missense variant.
Genome position (GRCh38, 1-based): chr16:68,695,882, C>T. VCF-style: chr16-68695882-C-T. GRCh37 (hg19) VCF-style: chr16-68729785-C-T.
Other names: c.2239C>T, p.Arg747Trp (NM_001317195.3); c.2074C>T, p.Arg692Trp (NM_001317196.2); short protein forms R692W, R747W.
Identifiers: ClinVar variation 1460886 (VCV001460886.5), dbSNP rs17715450, ClinGen allele CA396456364.
Genomic context (GRCh38, chr16:68,695,882, plus strand): 5'-GAGGTGGTTCTCCGCAATGACGTGGCACCAACCATCATCCCGACACCCATGTACCGTCCT[C>T]GGCCAGCCAACCCAGATGAAATCGGCAACTTTATAATTGAGGTGAGGCGTGGCAGGCCAG-3'
Protein context (NP_001784.2, residues 737-757): TIIPTPMYRP[Arg747Trp]PANPDEIGNF

ClinVar aggregate classification (germline): Uncertain significance (1 of 4 stars; one submission).

Submission:

Labcorp Genetics (formerly Invitae), Labcorp
Classification: Uncertain significance. Last evaluated: 2021-09-24. Review status: criteria provided, single submitter. Criteria: Invitae Variant Classification Sherloc (09022015). Collection method: clinical testing. Allele origin: germline.
Comment: This sequence change replaces arginine with tryptophan at codon 747 of the CDH3 protein (p.Arg747Trp). The arginine residue is highly conserved and there is a moderate physicochemical difference between arginine and tryptophan. This variant is not present in population databases (ExAC no frequency). This variant has not been reported in the literature in individuals with CDH3-related conditions. Algorithms developed to predict the effect of missense changes on protein structure and function are either unavailable or do not agree on the potential impact of this missense change (SIFT: "Not Available"; PolyPhen-2: "Probably Damaging"; Align-GVGD: "Not Available"). In summary, the available evidence is currently insufficient to determine the role of this variant in disease. Therefore, it has been classified as a Variant of Uncertain Significance.